The following is an entry in ClinVar:

NM_001376571.1(MADD):c.1630A>G (p.Arg544Gly)

Gene: MADD (MAP kinase activating death domain; plus strand). Cytogenetic location: 11p11.2.
Variant type: single nucleotide variant.
Coding change: c.1630A>G on transcript NM_001376571.1 (MANE Select); coding-DNA position 1630, A replaced by G.
Protein change: p.Arg544Gly; replaces arginine 544 with glycine.
Molecular consequence: missense variant. On other transcripts: non-coding transcript variant (8).
Genome position (GRCh38, 1-based): chr11:47,282,541, A>G. VCF-style: chr11-47282541-A-G. GRCh37 (hg19) VCF-style: chr11-47304092-A-G.
Other names: c.1630A>G, p.Arg544Gly (NM_001135943.2, NM_001135944.2, NM_001376572.1 and 80 more transcripts); c.1426A>G, p.Arg476Gly (NM_001376620.1, NM_001376626.1, NM_001376627.1 and 9 more transcripts); c.964A>G, p.Arg322Gly (NM_001376663.1); short protein forms R322G, R476G, R544G.
Identifiers: ClinVar variation 3392705 (VCV003392705.1).

ClinVar aggregate classification (germline): Uncertain significance (1 of 4 stars; one submission).

Submission:

GeneDx
Classification: Uncertain significance. Last evaluated: 2024-06-24. Review status: criteria provided, single submitter. Criteria: GeneDx Variant Classification Process June 2021. Collection method: clinical testing. Allele origin: germline. Affected: yes.
Comment: Not observed at significant frequency in large population cohorts (gnomAD); In silico analysis supports that this missense variant has a deleterious effect on protein structure/function; Has not been previously published as pathogenic or benign to our knowledge